The following is an entry in ClinVar:

NM_000081.4(LYST):c.3507C>T (p.Leu1169=)

Gene: LYST (lysosomal trafficking regulator; minus strand). Cytogenetic location: 1q42.3.
Variant type: single nucleotide variant.
Coding change: c.3507C>T on transcript NM_000081.4 (MANE Select); coding-DNA position 3507, C replaced by T.
Protein change: p.Leu1169=; no amino-acid change (leucine 1169 retained).
Molecular consequence: synonymous variant.
Genome position (GRCh38, 1-based): chr1:235,804,552, G>A on the plus strand (C>T on the coding strand, the complement: LYST is on the minus strand). VCF-style: chr1-235804552-G-A. GRCh37 (hg19) VCF-style: chr1-235967852-G-A.
Other names: p.Leu1169=; c.3507C>T, p.Leu1169= (NM_001301365.1).
Identifiers: ClinVar variation 522251 (VCV000522251.51), dbSNP rs74861744, ClinGen allele CA1467066.

ClinVar aggregate classification (germline): Conflicting classifications of pathogenicity. Review status: criteria provided, conflicting classifications (1 of 4 stars). 9 submissions from 9 submitters: Uncertain significance (1); Likely benign (6). 2 of the submissions do not count toward it. Last evaluated 2026-02-04.

Conditions:
Autoinflammatory syndrome. Identifiers: Orphanet 93665, MedGen C3890737, MONDO:0019751.
Chédiak-Higashi syndrome (CHS). Also called: Chediak-Higashi Syndrome. Identifiers: Orphanet 167, MedGen C0007965, MONDO:0008963, OMIM 214500.

Allele frequency attached by ClinVar (database versions not stated): gnomAD 0.00083 and 0.00085; TOPMed 0.00083; gnomAD exomes 0.00097 and 0.00136; 1000 Genomes Project 0.00100; ExAC 0.00105; ESP Exome Variant Server 0.00123; 1000 Genomes Project 30x 0.00125.
gnomAD v4.1: 2,077 of 1,613,412 alleles (0.13%); highest among the groups gnomAD compares: Non-Finnish European, 0.17%; 2 homozygotes.

Submissions (9):

Labcorp Genetics (formerly Invitae), Labcorp
Classification: Likely benign for Chédiak-Higashi syndrome. Last evaluated: 2026-02-04. Review status: criteria provided, single submitter. Criteria: Invitae Variant Classification Sherloc (09022015). Collection method: clinical testing. Allele origin: germline.

Mayo Clinic Laboratories, Mayo Clinic
Classification: Likely benign. Last evaluated: 2025-04-15. Review status: criteria provided, single submitter. Criteria: ACMG Guidelines, 2015. Collection method: clinical testing. Allele origin: germline. Observed: 8 variant alleles.
Comment: BS1, BP4, BP7

Blueprint Genetics
Classification: Likely benign. Last evaluated: 2024-11-26. Review status: criteria provided, single submitter. Criteria: ACMG Guidelines, 2015. Collection method: clinical testing. Allele origin: germline.

Women's Health and Genetics/Laboratory Corporation of America, LabCorp
Classification: Likely benign. Last evaluated: 2023-08-10. Review status: criteria provided, single submitter. Criteria: LabCorp Variant Classification Summary - May 2015. Collection method: clinical testing. Allele origin: germline.

CeGaT Center for Human Genetics Tuebingen
Classification: Likely benign. Last evaluated: 2023-01-01. Review status: criteria provided, single submitter. Criteria: CeGaT Center For Human Genetics Tuebingen Variant Classification Criteria Version 2. Collection method: clinical testing. Allele origin: germline. Affected: yes. Observed: 1 variant allele.
Comment: LYST: BP4, BP7

Genome Diagnostics Laboratory, University Medical Center Utrecht
Classification: Likely benign for Chédiak-Higashi syndrome. Last evaluated: 2017-09-27. Review status: criteria provided, single submitter. Criteria: ACGS Guidelines, 2013. Collection method: clinical testing. Allele origin: germline. Affected: yes. Study: VKGL Data-share Consensus.

Genome Diagnostics Laboratory, The Hospital for Sick Children
Classification: Uncertain significance for Autoinflammatory syndrome. Last evaluated: 2017-02-03. Review status: criteria provided, single submitter. Criteria: ACMG Guidelines, 2015. Collection method: clinical testing. Allele origin: germline. Affected: yes.

Clinical Genetics DNA and cytogenetics Diagnostics Lab, Erasmus MC, Erasmus Medical Center
Classification: Likely benign. Review status: no assertion criteria provided. Collection method: clinical testing. Allele origin: germline. Affected: yes. Study: VKGL Data-share Consensus. Not counted in ClinVar's aggregate classification.

Clinical Genetics, Academic Medical Center
Classification: Benign. Review status: no assertion criteria provided. Collection method: clinical testing. Allele origin: germline. Affected: yes. Study: VKGL Data-share Consensus. Not counted in ClinVar's aggregate classification.